The following is an entry in ClinVar:

NM_001322934.2(NFKB2):c.2603A>G (p.Tyr868Cys)

Gene: NFKB2 (nuclear factor kappa B subunit 2; plus strand). Cytogenetic location: 10q24.32.
Variant type: single nucleotide variant.
Coding change: c.2603A>G on transcript NM_001322934.2 (MANE Select); coding-DNA position 2603, A replaced by G.
Protein change: p.Tyr868Cys; replaces tyrosine 868 with cysteine.
Molecular consequence: missense variant.
Genome position (GRCh38, 1-based): chr10:102,402,276, A>G. VCF-style: chr10-102402276-A-G. GRCh37 (hg19) VCF-style: chr10-104162033-A-G.
Other names: c.2600A>G, p.Tyr867Cys (NM_001077493.1, NM_001261403.3, NM_001288724.1 and 1 more transcripts); c.2603A>G, p.Tyr868Cys (NM_001077494.3); c.2477A>G, p.Tyr826Cys (NM_001322935.1); short protein forms Y826C, Y868C, Y867C.
Identifiers: ClinVar variation 2884030 (VCV002884030.3), dbSNP rs2544606982, ClinGen allele CA377906344.
Genomic context (GRCh38, chr10:102,402,276, plus strand): 5'-TTTGACTATCCCATTCCTGTCCCCATTTACCCCCAGCAGAGGTGAAGGAAGACAGTGCGT[A>G]CGGGAGCCAGTCAGTGGAGCAGGAGGCAGAGAAGCTGGGCCCACCCCCTGAGCCACCAGG-3'
Protein context (NP_001309863.1, residues 858-878): STAEVKEDSA[Tyr868Cys]GSQSVEQEAE

ClinVar aggregate classification (germline): Uncertain significance (1 of 4 stars; one submission).

Conditions:
Immunodeficiency, common variable, 10. Also called: DEFICIT IN ANTERIOR PITUITARY FUNCTION AND VARIABLE IMMUNODEFICIENCY; IMMUNODEFICIENCY, COMMON VARIABLE, WITH CENTRAL ADRENAL INSUFFICIENCY. Identifiers: MedGen C3809991, MONDO:0014260, OMIM 615577.

Submission:

Labcorp Genetics (formerly Invitae), Labcorp
Classification: Uncertain significance for Immunodeficiency, common variable, 10. Last evaluated: 2024-02-26. Review status: criteria provided, single submitter. Criteria: Invitae Variant Classification Sherloc (09022015). Collection method: clinical testing. Allele origin: germline.
Comment: This sequence change replaces tyrosine, which is neutral and polar, with cysteine, which is neutral and slightly polar, at codon 868 of the NFKB2 protein (p.Tyr868Cys). This variant is not present in population databases (gnomAD no frequency). This missense change has been observed in individual(s) with primary immunodeficiency (PMID: 30941118). An algorithm developed to predict the effect of missense changes on protein structure and function (PolyPhen-2) suggests that this variant is likely to be disruptive. In summary, the available evidence is currently insufficient to determine the role of this variant in disease. Therefore, it has been classified as a Variant of Uncertain Significance.

Literature cited by the submitters: PubMed 30941118.